The following is an entry in ClinVar:

NM_006767.4(LZTR1):c.1615G>C (p.Gly539Arg)

Gene: LZTR1 (leucine zipper like post translational regulator 1; plus strand). Cytogenetic location: 22q11.21.
Variant type: single nucleotide variant.
Coding change: c.1615G>C on transcript NM_006767.4 (MANE Select); coding-DNA position 1615, G replaced by C.
Protein change: p.Gly539Arg; replaces glycine 539 with arginine.
Molecular consequence: missense variant.
Genome position (GRCh38, 1-based): chr22:20,994,269, G>C. VCF-style: chr22-20994269-G-C. GRCh37 (hg19) VCF-style: chr22-21348558-G-C.
Other names: short protein forms G539R.
Identifiers: ClinVar variation 3967310 (VCV003967310.1).
Genomic context (GRCh38, chr22:20,994,269, plus strand): 5'-CGGCCCTTCGAGGTGCTCATGCAGTTCCTCTACACCGACAAGATCAAATACCCACGGAAA[G>C]GTCCGCCTGGGTGGGGGTGGAGCAGGGTTGGTGTGGGCTGGGGTGCGGGCAGCAGAGCCA-3'
Protein context (NP_006758.2, residues 529-549): YTDKIKYPRK[Gly539Arg]HVEDVLLIMD

ClinVar aggregate classification (germline): Uncertain significance (1 of 4 stars; one submission).

Conditions:
Cardiovascular phenotype. Identifiers: MedGen CN230736.
Hereditary cancer-predisposing syndrome. Also called: Tumor predisposition; Hereditary neoplastic syndrome; Hereditary Cancer Syndrome; Neoplastic Syndromes, Hereditary. Identifiers: Orphanet 140162, MedGen C0027672, MeSH D009386, MONDO:0015356.

Submission:

Ambry Genetics
Classification: Uncertain significance for Cardiovascular phenotype; Hereditary cancer-predisposing syndrome. Last evaluated: 2025-03-18. Review status: criteria provided, single submitter. Criteria: Ambry Variant Classification Scheme 2023. Collection method: clinical testing. Allele origin: germline.
Comment: The p.G539R variant (also known as c.1615G>C), located in coding exon 14 of the LZTR1 gene, results from a G to C substitution at nucleotide position 1615. The amino acid change results in glycine to arginine at codon 539, an amino acid with dissimilar properties. However, this change occurs in the last base pair of coding exon 14, which makes it likely to have some effect on normal mRNA splicing. The nucleotide and amino acid positions are highly conserved in available vertebrate species. In silico splice site analysis predicts that this alteration will weaken the native splice donor site and will result in the creation or strengthening of a novel splice donor site. In addition, as a missense substitution this alteration is predicted to be deleterious by in silico analysis. Based on the available evidence, the clinical significance of this variant remains unclear.